The following is an entry in ClinVar:

ClinVar aggregate classification (germline): Uncertain significance (1 of 4 stars; one submission).

Conditions:
MC4R-related disorder. Also called: MC4R-related condition.

Submission:

PreventionGenetics, part of Exact Sciences
Classification: Uncertain significance for MC4R-related condition. Last evaluated: 2025-03-12. Review status: criteria provided, single submitter. Criteria: ACMG Guidelines, 2015. Collection method: clinical testing. Allele origin: germline.
Comment: The MC4R c.265G>T variant is predicted to result in the amino acid substitution p.Ala89Ser. To our knowledge, this variant has not been reported in the literature or in a large population database (gnomAD), indicating this variant is rare. At this time, the clinical significance of this variant is uncertain due to the absence of conclusive functional and genetic evidence.

NM_005912.3(MC4R):c.265G>T (p.Ala89Ser)

Gene: MC4R (melanocortin 4 receptor; minus strand). Cytogenetic location: 18q21.32.
Variant type: single nucleotide variant.
Coding change: c.265G>T on transcript NM_005912.3 (MANE Select); coding-DNA position 265, G replaced by T.
Protein change: p.Ala89Ser; replaces alanine 89 with serine.
Molecular consequence: missense variant.
Genome position (GRCh38, 1-based): chr18:60,372,085, C>A on the plus strand (G>T on the coding strand, the complement: MC4R is on the minus strand). VCF-style: chr18-60372085-C-A. GRCh37 (hg19) VCF-style: chr18-58039318-C-A.
Other names: short protein forms A89S.
Identifiers: ClinVar variation 4979795 (VCV004979795.1).